The following is an entry in ClinVar:

NC_000005.10:g.(?_60887430)_(60904883_?)del

Gene: ERCC8 (ERCC excision repair 8, CSA ubiquitin ligase complex subunit; minus strand). Cytogenetic location: 5q12.1.
Variant type: Deletion.
Identifiers: ClinVar variation 831303 (VCV000831303.5).

ClinVar aggregate classification (germline): Pathogenic (1 of 4 stars; one submission).

Submission:

Labcorp Genetics (formerly Invitae), Labcorp
Classification: Pathogenic. Last evaluated: 2022-07-12. Review status: criteria provided, single submitter. Criteria: Invitae Variant Classification Sherloc (09022015). Collection method: clinical testing. Allele origin: germline.
Comment: This variant is a gross deletion of the genomic region encompassing exon(s) 5-11 of the ERCC8 gene. This variant would be expected to be in-frame, preserving the integrity of the reading frame. This variant has not been reported in the literature in individuals affected with ERCC8-related conditions. This variant disrupts a region of the ERCC8 protein in which other variant(s) (p.Asp266Gly) have been determined to be pathogenic (PMID: 16865293, 19894250, 29531219). This suggests that this is a clinically significant region of the protein, and that variants that disrupt it are likely to be disease-causing. For these reasons, this variant has been classified as Pathogenic.

Literature cited by the submitters: PubMed 16865293; PubMed 19894250; PubMed 29531219.